The following is an entry in ClinVar:

NM_001206999.2(CIT):c.517-1G>C

Gene: CIT (citron rho-interacting serine/threonine kinase; minus strand). Cytogenetic location: 12q24.23.
Variant type: single nucleotide variant.
Coding change: c.517-1G>C on transcript NM_001206999.2 (MANE Select); the canonical splice acceptor site of the intron before coding-DNA position 517, G replaced by C.
Molecular consequence: splice acceptor variant.
Genome position (GRCh38, 1-based): chr12:119,834,229, C>G on the plus strand (G>C on the coding strand, the complement: CIT is on the minus strand). VCF-style: chr12-119834229-C-G. GRCh37 (hg19) VCF-style: chr12-120272033-C-G.
Other names: c.517-1G>C (NM_007174.3).
Identifiers: ClinVar variation 3017974 (VCV003017974.3), dbSNP rs535580486, ClinGen allele CA386546512.
Genomic context (GRCh38, chr12:119,834,229, plus strand): 5'-CTGGTCCTCATATCTATTCAAAAGTGACAGCAAGTCCCCTCCAGGCTGATATTCCATGAC[C>G]TGTATAGAATGCCAAAGTTATTAATTCTTCACACACCCAAAAATAGGGAATGCCTCAATT-3'

ClinVar aggregate classification (germline): Likely pathogenic (1 of 4 stars; one submission).

Submission:

Labcorp Genetics (formerly Invitae), Labcorp
Classification: Likely pathogenic. Last evaluated: 2024-02-16. Review status: criteria provided, single submitter. Criteria: Invitae Variant Classification Sherloc (09022015). Collection method: clinical testing. Allele origin: germline.
Comment: This sequence change affects an acceptor splice site in intron 5 of the CIT gene. It is expected to disrupt RNA splicing. Variants that disrupt the donor or acceptor splice site typically lead to a loss of protein function (PMID: 16199547), and loss-of-function variants in CIT are known to be pathogenic (PMID: 27453579). This variant is not present in population databases (gnomAD no frequency). This variant has not been reported in the literature in individuals affected with CIT-related conditions. Algorithms developed to predict the effect of sequence changes on RNA splicing suggest that this variant may disrupt the consensus splice site. In summary, the currently available evidence indicates that the variant is pathogenic, but additional data are needed to prove that conclusively. Therefore, this variant has been classified as Likely Pathogenic.

Literature cited by the submitters: PubMed 16199547; PubMed 27453579.